The following is an entry in ClinVar:

ClinVar aggregate classification (germline): Uncertain significance. Review status: criteria provided, multiple submitters, no conflicts (2 of 4 stars). 9 submissions from 9 submitters: Uncertain significance (7). 2 of the submissions do not count toward it. Last evaluated 2026-01-26.

Conditions:
MYH6-related disorder. Also called: MYH6-Related Disorders; MYH6-related condition.
Cardiovascular phenotype. Identifiers: MedGen CN230736.
Hypertrophic cardiomyopathy 14. Identifiers: MedGen C2750467, MONDO:0013197, OMIM 613251.
Hypertrophic cardiomyopathy 1 (CMH1). Also called: Familial hypertrophic cardiomyopathy 1; MYH7-Related Familial Hypertrophic Cardiomyopathy. Identifiers: MedGen C3495498, MONDO:0008647, OMIM 192600.
Sick sinus syndrome 3, susceptibility to (SSS3). Identifiers: Orphanet 166282, MedGen C3279791, MONDO:0013568, OMIM 614090.
Dilated cardiomyopathy 1EE (CMD1EE). Identifiers: Orphanet 154, MedGen C2750466, MONDO:0013198, OMIM 613252.
Atrial septal defect 3 (ASD3). Identifiers: Orphanet 1478, MedGen C3279790, MONDO:0013567, OMIM 614089.

Allele frequency attached by ClinVar (database versions not stated): ESP Exome Variant Server 0.00015; gnomAD 0.00019; 1000 Genomes Project 0.00020; TOPMed 0.00030; 1000 Genomes Project 30x 0.00031.
gnomAD v4.1: 67 of 1,606,244 alleles (0.0042%); highest among the groups gnomAD compares: African/African-American, 0.087%; no homozygotes.

Submissions (9):

Labcorp Genetics (formerly Invitae), Labcorp
Classification: Uncertain significance for Hypertrophic cardiomyopathy 14. Last evaluated: 2026-01-26. Review status: criteria provided, single submitter. Criteria: Invitae Variant Classification Sherloc (09022015). Collection method: clinical testing. Allele origin: germline.
Comment: This sequence change replaces aspartic acid, which is acidic and polar, with histidine, which is basic and polar, at codon 1200 of the MYH6 protein (p.Asp1200His). This variant is present in population databases (rs372794975, gnomAD 0.06%), and has an allele count higher than expected for a pathogenic variant. This missense change has been observed in individual(s) with dilated cardiomyopathy (PMID: 32746448). ClinVar contains an entry for this variant (Variation ID: 407151). Invitae Evidence Modeling of protein sequence and biophysical properties (such as structural, functional, and spatial information, amino acid conservation, physicochemical variation, residue mobility, and thermodynamic stability) indicates that this missense variant is expected to disrupt MYH6 protein function with a positive predictive value of 80%. In summary, the available evidence is currently insufficient to determine the role of this variant in disease. Therefore, it has been classified as a Variant of Uncertain Significance.

PreventionGenetics, part of Exact Sciences
Classification: Uncertain significance for MYH6-related condition. Last evaluated: 2026-01-05. Review status: criteria provided, single submitter. Criteria: ACMG Guidelines, 2015. Collection method: clinical testing. Allele origin: germline.
Comment: The MYH6 c.3598G>C variant is predicted to result in the amino acid substitution p.Asp1200His. This variant has been reported as a variant of uncertain significance in individuals with dilated cardiomyopathy or restrictive cardiomyopathy (Table S2, Burstein et al. 2021. PubMed ID: 32746448; Table S5, Ware et al. 2022. PubMed ID: 35026164). This variant is reported in 0.054% of alleles in individuals of African descent in gnomAD. At this time, the clinical significance of this variant is uncertain due to the absence of conclusive functional and genetic evidence.

Ambry Genetics
Classification: Uncertain significance for Cardiovascular phenotype. Last evaluated: 2025-08-12. Review status: criteria provided, single submitter. Criteria: Ambry Variant Classification Scheme 2023. Collection method: clinical testing. Allele origin: germline.
Comment: The p.D1200H variant (also known as c.3598G>C), located in coding exon 24 of the MYH6 gene, results from a G to C substitution at nucleotide position 3598. The aspartic acid at codon 1200 is replaced by histidine, an amino acid with similar properties. This variant has been detected in a pediatric dilated cardiomyopathy case and in a pediatric restrictive cardiomyopathy case; however, detail was limited (Burstein DS et al. Pediatr Res. 2021 May;89(6):1470-1476; Ware SM et al. Am J Hum Genet. 2022 Feb;109(2):282-298). This amino acid position is highly conserved in available vertebrate species. In addition, this alteration is predicted to be deleterious by in silico analysis. Since supporting evidence is limited at this time, the clinical significance of this alteration remains unclear.

GeneDx
Classification: Uncertain significance. Last evaluated: 2024-11-25. Review status: criteria provided, single submitter. Criteria: GeneDx Variant Classification Process June 2021. Collection method: clinical testing. Allele origin: germline. Affected: yes.
Comment: Identified in pediatric patients with cardiomyopathy in published literature (PMID: 32746448, 35026164); In silico analysis, which includes protein predictors and evolutionary conservation, supports a deleterious effect; This variant is associated with the following publications: (PMID: 35026164, 32746448)

Revvity Omics, Revvity
Classification: Uncertain significance. Last evaluated: 2023-07-12. Review status: criteria provided, single submitter. Criteria: ACMG Guidelines, 2015. Collection method: clinical testing. Allele origin: germline.

Fulgent Genetics
Classification: Uncertain significance for Hypertrophic cardiomyopathy 1; Hypertrophic cardiomyopathy 14; Dilated cardiomyopathy 1EE; Atrial septal defect 3; Sick sinus syndrome 3, susceptibility to. Last evaluated: 2021-07-29. Review status: criteria provided, single submitter. Criteria: ACMG Guidelines, 2015. Collection method: clinical testing. Allele origin: unknown.

Laboratory for Molecular Medicine, Mass General Brigham Personalized Medicine
Classification: Uncertain significance. Last evaluated: 2017-05-18. Review status: criteria provided, single submitter. Criteria: LMM Criteria. Collection method: clinical testing. Allele origin: germline. Observed: 1 variant allele.
Comment: The p.Asp1200His variant in MYH6 has not been previously reported in individuals with cardiomyopathy, but has been identified in 0.1% (14/23478) of African chro mosomes by the Genome Aggregation Database (gnomAD .org/; dbSNP rs372794975). This variant has been reported in ClinVar (Variation ID: 407151) as of uncertain significance. Computational prediction tools and co nservation analysis suggest that the p.Asp1200His variant may impact the protein , though this information is not predictive enough to determine pathogenicity. I n summary, the clinical significance of the p.Asp1200His variant is uncertain.

Clinical Genetics DNA and cytogenetics Diagnostics Lab, Erasmus MC, Erasmus Medical Center
Classification: Uncertain significance. Review status: no assertion criteria provided. Collection method: clinical testing. Allele origin: germline. Affected: yes. Study: VKGL Data-share Consensus. Not counted in ClinVar's aggregate classification.

Clinical Genetics, Academic Medical Center
Classification: Uncertain significance. Review status: no assertion criteria provided. Collection method: clinical testing. Allele origin: germline. Affected: yes. Study: VKGL Data-share Consensus. Not counted in ClinVar's aggregate classification.

Literature cited by the submitters: PubMed 32746448 (cited by Labcorp Genetics (formerly Invitae), Labcorp and Ambry Genetics); PubMed 35026164 (cited by Ambry Genetics).

NM_002471.4(MYH6):c.3598G>C (p.Asp1200His)

Gene: MYH6 (myosin heavy chain 6; minus strand). Cytogenetic location: 14q11.2.
Variant type: single nucleotide variant.
Coding change: c.3598G>C on transcript NM_002471.4 (MANE Select); coding-DNA position 3598, G replaced by C.
Protein change: p.Asp1200His; replaces aspartic acid 1200 with histidine.
Molecular consequence: missense variant.
Genome position (GRCh38, 1-based): chr14:23,390,191, C>G on the plus strand (G>C on the coding strand, the complement: MYH6 is on the minus strand). VCF-style: chr14-23390191-C-G. GRCh37 (hg19) VCF-style: chr14-23859400-C-G.
Other names: short protein forms D1200H.
Identifiers: ClinVar variation 407151 (VCV000407151.29), dbSNP rs372794975, ClinGen allele CA7115128.